The following is an entry in ClinVar:

ClinVar aggregate classification (germline): Conflicting classifications of pathogenicity. Review status: criteria provided, conflicting classifications (1 of 4 stars). 3 submissions from 3 submitters: Likely pathogenic (1); Uncertain significance (1); Likely benign (1). Last evaluated 2025-01-07.

Conditions:
Blood group, ER (ER). Also called: ER BLOOD GROUP SYSTEM. Identifiers: MedGen C5703066, OMIM 620207.
Lymphatic malformation 6 (LMPHM6). Also called: GENERALIZED LYMPHATIC DYSPLASIA OF FOTIOU; Lymphedema, hereditary, III; PIEZO1-related generalized lymphatic dysplasia with non-immune hydrops fetalis. Identifiers: Orphanet 568062, MedGen C4225184, MONDO:0014797, OMIM 616843.
Dehydrated hereditary stomatocytosis with or without pseudohyperkalemia and/or perinatal edema (DHS1). Also called: PSEUDOHYPERKALEMIA EDINBURGH; DEHYDRATED HEREDITARY STOMATOCYTOSIS AND PSEUDOHYPERKALEMIA; DEHYDRATED HEREDITARY STOMATOCYTOSIS WITH PSEUDOHYPERKALEMIA AND PERINATAL EDEMA; Pseudohyperkalemia, familial, 1, due to red cell leak; Dehydrated hereditary stomatocytosis 1 with or without pseudohyperkalemia and/or perinatal edema. Identifiers: Orphanet 3202, MedGen C4551512, MONDO:0008689, OMIM 194380.

gnomAD v4.1: 2 of 1,550,214 alleles (0.00013%); highest among the groups gnomAD compares: Non-Finnish European, 0.00017%; no homozygotes.

Submissions (3):

Mayo Clinic Laboratories, Mayo Clinic
Classification: Likely pathogenic. Last evaluated: 2025-01-07. Review status: criteria provided, single submitter. Criteria: ACMG Guidelines, 2015. Collection method: clinical testing. Allele origin: germline. Observed: 1 variant allele.
Comment: PP3, PM2_supporting, PM5, PS4_moderate

Labcorp Genetics (formerly Invitae), Labcorp
Classification: Likely benign. Last evaluated: 2024-09-17. Review status: criteria provided, single submitter. Criteria: Invitae Variant Classification Sherloc (09022015). Collection method: clinical testing. Allele origin: germline.

Fulgent Genetics
Classification: Uncertain significance for Dehydrated hereditary stomatocytosis with or without pseudohyperkalemia and/or perinatal edema; Lymphatic malformation 6; Blood group, ER. Last evaluated: 2024-06-04. Review status: criteria provided, single submitter. Criteria: ACMG Guidelines, 2015. Collection method: clinical testing. Allele origin: germline.

Literature cited by the submitters: PubMed 30655378 (cited by Mayo Clinic Laboratories, Mayo Clinic); PubMed 34201899 (cited by Mayo Clinic Laboratories, Mayo Clinic); PubMed 37902181 (cited by Mayo Clinic Laboratories, Mayo Clinic).

NM_001142864.4(PIEZO1):c.1813A>G (p.Met605Val)

Genes: HSALR1 (HSP90AB1 associated lncRNA 1; plus strand), PIEZO1 (piezo type mechanosensitive ion channel component 1 (Er blood group); minus strand). Cytogenetic location: 16q24.3.
Variant type: single nucleotide variant.
Coding change: c.1813A>G on transcript NM_001142864.4 (MANE Select); coding-DNA position 1813, A replaced by G.
Protein change: p.Met605Val; replaces methionine 605 with valine.
Molecular consequence: missense variant.
Genome position (GRCh38, 1-based): chr16:88,734,910, T>C on the plus strand (A>G on the coding strand, the complement: PIEZO1 is on the minus strand). VCF-style: chr16-88734910-T-C. GRCh37 (hg19) VCF-style: chr16-88801318-T-C.
Other names: p.Met605Val; short protein forms M605V.
Identifiers: ClinVar variation 3581335 (VCV003581335.4).
Genomic context (GRCh38, chr16:88,734,910, plus strand): 5'-GCCCCCATCCCGGCCCCCCAGCCACCTGGAAGAGGGTGAGGCAGAGCAGGAAGAGGAACA[T>C]GTAGACAATCTTGTAGACCACGAGGCGGCCGGCGAAGCTGACCACGATGAACATGCCAGC-3'
Protein context (NP_001136336.2, residues 595-615): GRLVVYKIVY[Met605Val]FLFLLCLTLF